The following is an entry in ClinVar:

ClinVar aggregate classification (germline): Uncertain significance. Review status: criteria provided, multiple submitters, no conflicts (2 of 4 stars). 2 submissions from 2 submitters: Uncertain significance (2). Last evaluated 2024-09-23.

Conditions:
Wilson disease (WND). Also called: Wilson's disease. Identifiers: Orphanet 905, MedGen C0019202, MONDO:0010200, OMIM 277900. Disease mechanism: loss of function.

Allele frequency attached by ClinVar (database versions not stated): gnomAD exomes 0.00001; TOPMed 0.00001; gnomAD 0.00002.
gnomAD v4.1: 5 of 1,613,984 alleles (0.00031%); highest among the groups gnomAD compares: African/African-American, 0.0067%; no homozygotes.

Submissions (2):

All of Us Research Program, National Institutes of Health
Classification: Uncertain significance for Wilson disease. Last evaluated: 2024-09-23. Review status: criteria provided, single submitter. Criteria: ACMG Guidelines, 2015. Collection method: clinical testing. Allele origin: germline. Inheritance: Autosomal recessive inheritance. Observed: 3 variant alleles, 3 heterozygotes.
Comment: This missense variant replaces proline with glutamine at codon 479 of the ATP7B protein. Computational prediction suggests that this variant may not impact protein structure and function (internally defined REVEL score threshold <= 0.5, PMID: 27666373). To our knowledge, functional studies have not been reported for this variant. This variant has not been reported in individuals affected with ATP7B-related disorders in the literature. This variant has been identified in 3/280824 chromosomes in the general population by the Genome Aggregation Database (gnomAD). The available evidence is insufficient to determine the role of this variant in disease conclusively. Therefore, this variant is classified as a Variant of Uncertain Significance.

This study involves interpretation of variants in research participants for the purpose of population health screening. Participant phenotype was not available at the time of variant classification. Additional details can be found in publication PMID: 35346344, PMCID: PMC8962531

Labcorp Genetics (formerly Invitae), Labcorp
Classification: Uncertain significance for Wilson disease. Last evaluated: 2022-08-16. Review status: criteria provided, single submitter. Criteria: Invitae Variant Classification Sherloc (09022015). Collection method: clinical testing. Allele origin: germline.
Comment: This sequence change replaces proline, which is neutral and non-polar, with glutamine, which is neutral and polar, at codon 479 of the ATP7B protein (p.Pro479Gln). This variant is present in population databases (no rsID available, gnomAD 0.02%). This variant has not been reported in the literature in individuals affected with ATP7B-related conditions. ClinVar contains an entry for this variant (Variation ID: 1354475). Advanced modeling of protein sequence and biophysical properties (such as structural, functional, and spatial information, amino acid conservation, physicochemical variation, residue mobility, and thermodynamic stability) performed at Invitae indicates that this missense variant is not expected to disrupt ATP7B protein function. In summary, the available evidence is currently insufficient to determine the role of this variant in disease. Therefore, it has been classified as a Variant of Uncertain Significance.

NM_000053.4(ATP7B):c.1436C>A (p.Pro479Gln)

Gene: ATP7B (ATPase copper transporting beta; minus strand). Cytogenetic location: 13q14.3.
Variant type: single nucleotide variant.
Coding change: c.1436C>A on transcript NM_000053.4 (MANE Select); coding-DNA position 1436, C replaced by A.
Protein change: p.Pro479Gln; replaces proline 479 with glutamine.
Molecular consequence: missense variant.
Genome position (GRCh38, 1-based): chr13:51,970,599, G>T on the plus strand (C>A on the coding strand, the complement: ATP7B is on the minus strand). VCF-style: chr13-51970599-G-T. GRCh37 (hg19) VCF-style: chr13-52544735-G-T.
Other names: c.1436C>A, p.Pro479Gln (NM_001005918.3, NM_001330578.2, NM_001330579.2); c.1103C>A, p.Pro368Gln (NM_001243182.2); short protein forms P368Q, P479Q.
Identifiers: ClinVar variation 1354475 (VCV001354475.7), dbSNP rs983827093, ClinGen allele CA250065586.